The following is an entry in ClinVar:

ClinVar aggregate classification (germline): Uncertain significance (1 of 4 stars; one submission).

Conditions:
LRRC56-related disorder. Also called: LRRC56-related condition.

Submission:

PreventionGenetics, part of Exact Sciences
Classification: Uncertain significance for LRRC56-related condition. Last evaluated: 2025-11-24. Review status: criteria provided, single submitter. Criteria: ACMG Guidelines, 2015. Collection method: clinical testing. Allele origin: germline.
Comment: The LRRC56 c.309C>A variant is predicted to result in the amino acid substitution p.Ser103Arg. To our knowledge, this variant has not been reported in the literature or in a large population database (gnomAD), indicating this variant is rare. At this time, the clinical significance of this variant is uncertain due to the absence of conclusive functional and genetic evidence.

NM_198075.4(LRRC56):c.309C>A (p.Ser103Arg)

Gene: LRRC56 (leucine rich repeat containing 56; plus strand). Cytogenetic location: 11p15.5.
Variant type: single nucleotide variant.
Coding change: c.309C>A on transcript NM_198075.4 (MANE Select); coding-DNA position 309, C replaced by A.
Protein change: p.Ser103Arg; replaces serine 103 with arginine.
Molecular consequence: missense variant.
Genome position (GRCh38, 1-based): chr11:544,763, C>A. VCF-style: chr11-544763-C-A. GRCh37 (hg19) VCF-style: chr11-544763-C-A.
Other names: c.309C>A, p.Ser103Arg (NM_001441283.1, NM_001441284.1, NM_001441285.1 and 1 more transcripts); short protein forms S103R.
Identifiers: ClinVar variation 4993907 (VCV004993907.1).
Genomic context (GRCh38, chr11:544,763, plus strand): 5'-CTCCTGTGGCCATACAGGGGTGCACCTGCCCAACCTGGACCAACTGAAGCTGAACGGCAG[C>A]CACCTGGGCTCCCTGAGGTGAGCGCCTGAGGGGGGTGGGCTGGGGCCCTGCCATGAGGGG-3'
Protein context (NP_932341.1, residues 93-113): PNLDQLKLNG[Ser103Arg]HLGSLRDLGT